The following is an entry in ClinVar:

NM_001754.5(RUNX1):c.*1938C>T

Gene: RUNX1 (RUNX family transcription factor 1; minus strand). Cytogenetic location: 21q22.12.
Variant type: single nucleotide variant.
Coding change: c.*1938C>T on transcript NM_001754.5 (MANE Select); 1938 bases downstream of the stop codon, C replaced by T.
Molecular consequence: 3 prime UTR variant.
Genome position (GRCh38, 1-based): chr21:34,790,197, G>A on the plus strand (C>T on the coding strand, the complement: RUNX1 is on the minus strand). VCF-style: chr21-34790197-G-A. GRCh37 (hg19) VCF-style: chr21-36162494-G-A.
Other names: c.*1938C>T (NM_001001890.3).
Identifiers: ClinVar variation 339840 (VCV000339840.6), dbSNP rs886057041, ClinGen allele CA10652923.

ClinVar aggregate classification (germline): Uncertain significance. Review status: reviewed by expert panel (3 of 4 stars). 2 submissions from 2 submitters: Uncertain significance (1). 1 of the submissions does not count toward it. Last evaluated 2025-01-15.

Conditions:
Hereditary thrombocytopenia and hematologic cancer predisposition syndrome. Identifiers: Orphanet 71290, MedGen CN281654, MONDO:0011071.
Hereditary thrombocytopenia and hematological cancer predisposition syndrome associated with RUNX1. Also called: PLATELET DISORDER, ASPIRIN-LIKE; RUNX1 Familial Platelet Disorder with Associated Myeloid Malignancies; Familial Platelet Disorder with Propensity to Acute Myelogenous Leukemia; Familial thrombocytopenia with propensity to acute myelogenous leukemia. Identifiers: Orphanet 71290, MedGen C1832388, MeSH C563324, MONDO:0100083, OMIM 601399.

Submissions (2):

ClinGen Myeloid Malignancy Variant Curation Expert Panel
Classification: Uncertain significance for Hereditary thrombocytopenia and hematologic cancer predisposition syndrome. Last evaluated: 2025-01-15. Review status: reviewed by expert panel. Criteria: ClinGen MyeloMalig ACMG Specifications v2. Collection method: curation. Allele origin: germline. Inheritance: Autosomal dominant inheritance.
Comment: NM_001754.5(RUNX1):c.*1938C>T is a 3' UTR variant which is completely absent from all population databases with at least 20x coverage for RUNX1 (PM2_Supporting). In summary, the clinical significance of this variant is uncertain. ACMG/AMP criteria applied, as specified by the Myeloid Malignancy Variant Curation Expert Panel for RUNX1: PM2_supporting.

Illumina Laboratory Services, Illumina
Classification: Uncertain significance for Hereditary thrombocytopenia and hematological cancer predisposition syndrome associated with RUNX1. Last evaluated: 2018-01-12. Review status: criteria provided, single submitter. Criteria: ICSL Variant Classification Criteria 13 December 2019. Collection method: clinical testing. Allele origin: germline. Not counted in ClinVar's aggregate classification.